The following is an entry in ClinVar:

NM_001258392.3(CLPB):c.638C>G (p.Ser213Cys)

Gene: CLPB (ClpB family mitochondrial disaggregase; minus strand). Cytogenetic location: 11q13.4.
Variant type: single nucleotide variant.
Coding change: c.638C>G on transcript NM_001258392.3 (MANE Select); coding-DNA position 638, C replaced by G.
Protein change: p.Ser213Cys; replaces serine 213 with cysteine.
Molecular consequence: missense variant.
Genome position (GRCh38, 1-based): chr11:72,380,289, G>C on the plus strand (C>G on the coding strand, the complement: CLPB is on the minus strand). VCF-style: chr11-72380289-G-C. GRCh37 (hg19) VCF-style: chr11-72091333-G-C.
Other names: c.551C>G, p.Ser184Cys (NM_001258393.3); c.503C>G, p.Ser168Cys (NM_001258394.3); c.638C>G, p.Ser213Cys (NM_030813.6); short protein forms S184C, S168C, S213C.
Identifiers: ClinVar variation 937447 (VCV000937447.10), dbSNP rs767714428, ClinGen allele CA6171505.

ClinVar aggregate classification (germline): Uncertain significance (1 of 4 stars; one submission).

Conditions:
3-methylglutaconic aciduria, type VIIB (MGCA7B). Also called: 3-methylglutaconic aciduria, type VII, with cataracts, neurologic involvement and neutropenia; CLPB Deficiency; 3-methylglutaconic aciduria with cataracts, neurologic involvement and neutropenia. Identifiers: Orphanet 445038, MedGen C5676893, MONDO:0014561, OMIM 616271.

Allele frequency attached by ClinVar (database versions not stated): gnomAD 0.00001; TOPMed 0.00001; gnomAD exomes 0.00002 and 0.00004; ExAC 0.00004.
gnomAD v4.1: 24 of 1,613,040 alleles (0.0015%); highest among the groups gnomAD compares: Admixed American, 0.0083%; no homozygotes.

Submission:

Labcorp Genetics (formerly Invitae), Labcorp
Classification: Uncertain significance for 3-methylglutaconic aciduria, type VIIB. Last evaluated: 2024-11-06. Review status: criteria provided, single submitter. Criteria: Invitae Variant Classification Sherloc (09022015). Collection method: clinical testing. Allele origin: germline.
Comment: This sequence change replaces serine, which is neutral and polar, with cysteine, which is neutral and slightly polar, at codon 213 of the CLPB protein (p.Ser213Cys). This variant is present in population databases (rs767714428, gnomAD 0.01%). This variant has not been reported in the literature in individuals affected with CLPB-related conditions. ClinVar contains an entry for this variant (Variation ID: 937447). An algorithm developed to predict the effect of missense changes on protein structure and function (PolyPhen-2) suggests that this variant is likely to be disruptive. In summary, the available evidence is currently insufficient to determine the role of this variant in disease. Therefore, it has been classified as a Variant of Uncertain Significance.